The following is an entry in ClinVar:

NM_033159.4(HYAL1):c.1111C>T (p.Arg371Cys)

Gene: HYAL1 (hyaluronidase 1; minus strand). Cytogenetic location: 3p21.31.
Variant type: single nucleotide variant.
Coding change: c.1111C>T on transcript NM_033159.4 (MANE Select); coding-DNA position 1111, C replaced by T.
Protein change: p.Arg371Cys; replaces arginine 371 with cysteine.
Molecular consequence: missense variant. On other transcripts: non-coding transcript variant (1).
Genome position (GRCh38, 1-based): chr3:50,300,680, G>A on the plus strand (C>T on the coding strand, the complement: HYAL1 is on the minus strand). VCF-style: chr3-50300680-G-A. GRCh37 (hg19) VCF-style: chr3-50338111-G-A.
Other names: c.1111C>T (NM_153281.1); c.1111C>T, p.Arg371Cys (NM_007312.3, NM_153281.2); c.1021C>T, p.Arg341Cys (NM_153282.3); c.565C>T, p.Arg189Cys (NM_153283.3); c.334C>T, p.Arg112Cys (NM_153285.3); short protein forms R112C, R371C, R189C, R341C.
Identifiers: ClinVar variation 2192868 (VCV002192868.2), dbSNP rs782463178, ClinGen allele CA2415730.
Genomic context (GRCh38, chr3:50,300,680, plus strand): 5'-GCTGGATGGAGAAACTGGCAGGGTTAAGGAGGAGGAGGGCTTTGGGGTGGCTGGTGCGGC[G>A]GACACAGCGGCCATGGCCGGAGCACAGGGCTTGACTGCAGAGAAGGGCCCCACTGGTCAC-3'
Protein context (NP_149349.2, residues 361-381): ALCSGHGRCV[Arg371Cys]RTSHPKALLL

ClinVar aggregate classification (germline): Uncertain significance. Review status: criteria provided, multiple submitters, no conflicts (2 of 4 stars). 2 submissions from 2 submitters: Uncertain significance (2). Last evaluated 2025-02-13.

Conditions:
Deficiency of hyaluronoglucosaminidase (MPS9). Also called: MPS IX; Mucopolysaccharidosis type 9; HYALURONIDASE DEFICIENCY. Identifiers: Orphanet 67041, MedGen C1291490, MONDO:0011093, OMIM 601492.

Allele frequency attached by ClinVar (database versions not stated): ExAC 0.00001; gnomAD exomes 0.00003; TOPMed 0.00003; gnomAD 0.00004.

Submissions (2):

Ambry Genetics
Classification: Uncertain significance. Last evaluated: 2025-02-13. Review status: criteria provided, single submitter. Criteria: Ambry Variant Classification Scheme 2023. Collection method: clinical testing. Allele origin: germline.

Labcorp Genetics (formerly Invitae), Labcorp
Classification: Uncertain significance for Deficiency of hyaluronoglucosaminidase. Last evaluated: 2022-06-19. Review status: criteria provided, single submitter. Criteria: Invitae Variant Classification Sherloc (09022015). Collection method: clinical testing. Allele origin: germline.
Comment: This sequence change replaces arginine, which is basic and polar, with cysteine, which is neutral and slightly polar, at codon 371 of the HYAL1 protein (p.Arg371Cys). This variant is present in population databases (rs782463178, gnomAD 0.007%). This variant has not been reported in the literature in individuals affected with HYAL1-related conditions. Algorithms developed to predict the effect of missense changes on protein structure and function are either unavailable or do not agree on the potential impact of this missense change (SIFT: "Deleterious"; PolyPhen-2: "Probably Damaging"; Align-GVGD: "Class C0"). In summary, the available evidence is currently insufficient to determine the role of this variant in disease. Therefore, it has been classified as a Variant of Uncertain Significance.